The following is an entry in ClinVar:

ClinVar aggregate classification (germline): Benign/Likely benign. Review status: criteria provided, multiple submitters, no conflicts (2 of 4 stars). 6 submissions from 6 submitters: Benign (1); Likely benign (5). Last evaluated 2026-04-01.

Conditions:
EHMT1-related disorder. Also called: EHMT1-related condition.
Kleefstra syndrome 1 (KLEFS1). Identifiers: Orphanet 261494, MedGen C0795833, MONDO:0027407, OMIM 610253.

Allele frequency attached by ClinVar (database versions not stated): ESP Exome Variant Server 0.00023; 1000 Genomes Project 30x 0.00031; TOPMed 0.00035; 1000 Genomes Project 0.00040.
gnomAD v4.1: 585 of 1,612,916 alleles (0.036%); highest among the groups gnomAD compares: Admixed American, 0.067%; 1 homozygote.

Submissions (7):

CeGaT Center for Human Genetics Tuebingen
Classification: Likely benign. Last evaluated: 2026-04-01. Review status: criteria provided, single submitter. Criteria: CeGaT Center For Human Genetics Tuebingen Variant Classification Criteria Version 2. Collection method: clinical testing. Allele origin: germline. Affected: yes. Observed: 2 variant alleles.
Comment: EHMT1: BP4, BP7

Labcorp Genetics (formerly Invitae), Labcorp
Classification: Likely benign for Kleefstra syndrome 1. Last evaluated: 2026-02-03. Review status: criteria provided, single submitter. Criteria: Invitae Variant Classification Sherloc (09022015). Collection method: clinical testing. Allele origin: germline.

PreventionGenetics, part of Exact Sciences
Classification: Likely benign for EHMT1-related condition. Last evaluated: 2025-10-03. Review status: criteria provided, single submitter. Criteria: ACMG Guidelines, 2015. Collection method: clinical testing. Allele origin: germline.
Comment: This variant is classified as likely benign based on ACMG/AMP sequence variant interpretation guidelines (Richards et al. 2015 PMID: 25741868, with internal and published modifications).

Blueprint Genetics
Classification: Likely benign. Last evaluated: 2024-09-10. Review status: criteria provided, single submitter. Criteria: ACMG Guidelines, 2015. Collection method: clinical testing. Allele origin: germline.

Genetic Services Laboratory, University of Chicago
Classification: Likely benign. Last evaluated: 2019-06-25. Review status: criteria provided, single submitter. Criteria: ACMG Guidelines, 2015. Collection method: clinical testing. Allele origin: germline. Affected: no.

GeneDx
Classification: Benign. Last evaluated: 2019-03-11. Review status: criteria provided, single submitter. Criteria: GeneDx Variant Classification Process June 2021. Collection method: clinical testing. Allele origin: germline. Affected: yes.

Dr. Peter K. Rogan Lab, Western University
No classification provided (evidence only). Condition: Uveal melanoma. Review status: no classification provided. Collection method: in vitro. Allele origin: not applicable. Functional consequence: retained intron. Not counted in ClinVar's aggregate classification.

NM_024757.5(EHMT1):c.390G>T (p.Pro130=)

Gene: EHMT1 (euchromatic histone lysine methyltransferase 1; plus strand). Cytogenetic location: 9q34.3.
Variant type: single nucleotide variant.
Coding change: c.390G>T on transcript NM_024757.5 (MANE Select); coding-DNA position 390, G replaced by T.
Protein change: p.Pro130=; no amino-acid change (proline 130 retained).
Molecular consequence: synonymous variant.
Genome position (GRCh38, 1-based): chr9:137,716,930, G>T. VCF-style: chr9-137716930-G-T. GRCh37 (hg19) VCF-style: chr9-140611382-G-T.
Other names: c.390G>T, p.Pro130= (NM_001145527.2, NM_001354263.2, NM_001354611.2); c.297G>T, p.Pro99= (NM_001354259.2, NM_001354612.2).
Identifiers: ClinVar variation 462998 (VCV000462998.45), dbSNP rs144323841, ClinGen allele CA5374292.
Genomic context (GRCh38, chr9:137,716,930, plus strand): 5'-TGCCGACGACTTTGTGCAGACTTCTGTCATCGGCAGCAACGGATACATCTTAAATAAGCC[G>T]GCCCTACAGGCACAGCCCTTGAGGACTACCAGCACTCTGGCCTCTTCGCTGCCTGGCCAT-3'
Protein context (NP_079033.4, residues 120-140): IGSNGYILNK[Pro130=]ALQAQPLRTT